The following is an entry in ClinVar:

ClinVar aggregate classification (germline): Uncertain significance (1 of 4 stars; one submission).

Conditions:
Arrhythmogenic right ventricular dysplasia 13. Also called: ARRHYTHMOGENIC RIGHT VENTRICULAR CARDIOMYOPATHY 13; Arrhythmogenic right ventricular dysplasia, familial, 13. Identifiers: MedGen C3810138, MONDO:0000908, OMIM 615616.

Submission:

Labcorp Genetics (formerly Invitae), Labcorp
Classification: Uncertain significance for Arrhythmogenic right ventricular dysplasia 13. Last evaluated: 2024-02-23. Review status: criteria provided, single submitter. Criteria: Invitae Variant Classification Sherloc (09022015). Collection method: clinical testing. Allele origin: germline.
Comment: This sequence change replaces glutamic acid, which is acidic and polar, with lysine, which is basic and polar, at codon 119 of the CTNNA3 protein (p.Glu119Lys). This variant is not present in population databases (gnomAD no frequency). This variant has not been reported in the literature in individuals affected with CTNNA3-related conditions. Advanced modeling of protein sequence and biophysical properties (such as structural, functional, and spatial information, amino acid conservation, physicochemical variation, residue mobility, and thermodynamic stability) performed at Invitae indicates that this missense variant is not expected to disrupt CTNNA3 protein function with a negative predictive value of 80%. In summary, the available evidence is currently insufficient to determine the role of this variant in disease. Therefore, it has been classified as a Variant of Uncertain Significance.

NM_013266.4(CTNNA3):c.355G>A (p.Glu119Lys)

Gene: CTNNA3 (catenin alpha 3; minus strand). Cytogenetic location: 10q21.3.
Variant type: single nucleotide variant.
Coding change: c.355G>A on transcript NM_013266.4 (MANE Select); coding-DNA position 355, G replaced by A.
Protein change: p.Glu119Lys; replaces glutamic acid 119 with lysine.
Molecular consequence: missense variant.
Genome position (GRCh38, 1-based): chr10:67,539,607, C>T on the plus strand (G>A on the coding strand, the complement: CTNNA3 is on the minus strand). VCF-style: chr10-67539607-C-T. GRCh37 (hg19) VCF-style: chr10-69299365-C-T.
Other names: c.355G>A, p.Glu119Lys (NM_001127384.3); c.391G>A, p.Glu131Lys (NM_001291133.2); short protein forms E131K, E119K.
Identifiers: ClinVar variation 3642729 (VCV003642729.2).